The following is an entry in ClinVar:

NM_004727.3(SLC24A1):c.2749A>G (p.Ile917Val)

Gene: SLC24A1 (solute carrier family 24 member 1; plus strand). Cytogenetic location: 15q22.31.
Variant type: single nucleotide variant.
Coding change: c.2749A>G on transcript NM_004727.3 (MANE Select); coding-DNA position 2749, A replaced by G.
Protein change: p.Ile917Val; replaces isoleucine 917 with valine.
Molecular consequence: missense variant.
Genome position (GRCh38, 1-based): chr15:65,650,898, A>G. VCF-style: chr15-65650898-A-G. GRCh37 (hg19) VCF-style: chr15-65943236-A-G.
Other names: c.730A>G, p.Ile244Val (NM_001254740.2); c.2749A>G, p.Ile917Val (NM_001301031.1); c.2695A>G, p.Ile899Val (NM_001301032.1, NM_001301033.2); short protein forms I899V, I917V, I244V.
Identifiers: ClinVar variation 1446846 (VCV001446846.6), dbSNP rs375361152, ClinGen allele CA7620190.

ClinVar aggregate classification (germline): Uncertain significance. Review status: criteria provided, multiple submitters, no conflicts (2 of 4 stars). 2 submissions from 2 submitters: Uncertain significance (2). Last evaluated 2024-09-10.

Allele frequency attached by ClinVar (database versions not stated): gnomAD exomes 0.00003 and 0.00006; ExAC 0.00005; TOPMed 0.00006; ESP Exome Variant Server 0.00008.

Submissions (2):

Blueprint Genetics
Classification: Uncertain significance. Last evaluated: 2024-09-10. Review status: criteria provided, single submitter. Criteria: ACMG Guidelines, 2015. Collection method: clinical testing. Allele origin: germline.

Labcorp Genetics (formerly Invitae), Labcorp
Classification: Uncertain significance. Last evaluated: 2022-05-09. Review status: criteria provided, single submitter. Criteria: Invitae Variant Classification Sherloc (09022015). Collection method: clinical testing. Allele origin: germline.
Comment: This sequence change replaces isoleucine, which is neutral and non-polar, with valine, which is neutral and non-polar, at codon 917 of the SLC24A1 protein (p.Ile917Val). This variant is present in population databases (rs375361152, gnomAD 0.06%). This missense change has been observed in individual(s) with congenital stationary night blindness (PMID: 12037007). Algorithms developed to predict the effect of missense changes on protein structure and function (SIFT, PolyPhen-2, Align-GVGD) all suggest that this variant is likely to be tolerated. Experimental studies are conflicting or provide insufficient evidence to determine the effect of this variant on SLC24A1 function (PMID: 12037007). In summary, the available evidence is currently insufficient to determine the role of this variant in disease. Therefore, it has been classified as a Variant of Uncertain Significance.

Literature cited by the submitters: PubMed 12037007 (cited by Labcorp Genetics (formerly Invitae), Labcorp).